The following is an entry in ClinVar:

ClinVar aggregate classification (germline): Conflicting classifications of pathogenicity. Review status: criteria provided, conflicting classifications (1 of 4 stars). 3 submissions from 3 submitters: Uncertain significance (2); Likely benign (1). Last evaluated 2025-11-06.

Conditions:
Hypertrophic cardiomyopathy 26. Also called: Cardiomyopathy, familial hypertrophic, 26. Identifiers: Orphanet 75249, MedGen C4310749, MONDO:0014883, OMIM 617047.
Myofibrillar myopathy 5. Also called: FILAMINOPATHY, AUTOSOMAL DOMINANT; Filaminopathy (type). Identifiers: Orphanet 171445, MedGen C1836050, MONDO:0012289, OMIM 609524.
Distal myopathy with posterior leg and anterior hand involvement. Also called: WILLIAMS DISTAL MYOPATHY. Identifiers: Orphanet 63273, MedGen C3279722, MONDO:0013550, OMIM 614065.
Cardiovascular phenotype. Identifiers: MedGen CN230736.

Allele frequency attached by ClinVar (database versions not stated): gnomAD 0.00002; TOPMed 0.00003.
gnomAD v4.1: 5 of 1,613,744 alleles (0.00031%); highest among the groups gnomAD compares: African/African-American, 0.0067%; no homozygotes.

Submissions (3):

Labcorp Genetics (formerly Invitae), Labcorp
Classification: Likely benign for Distal myopathy with posterior leg and anterior hand involvement; Myofibrillar myopathy 5; Hypertrophic cardiomyopathy 26. Last evaluated: 2025-11-06. Review status: criteria provided, single submitter. Criteria: Invitae Variant Classification Sherloc (09022015). Collection method: clinical testing. Allele origin: germline.

GeneDx
Classification: Uncertain significance. Last evaluated: 2025-01-09. Review status: criteria provided, single submitter. Criteria: GeneDx Variant Classification Process June 2021. Collection method: clinical testing. Allele origin: germline. Affected: yes.
Comment: In silico analysis supports that this missense variant has a deleterious effect on protein structure/function; Has not been previously published as pathogenic or benign to our knowledge

Ambry Genetics
Classification: Uncertain significance for Cardiovascular phenotype. Last evaluated: 2022-07-29. Review status: criteria provided, single submitter. Criteria: Ambry Variant Classification Scheme 2023. Collection method: clinical testing. Allele origin: germline.
Comment: The p.T739I variant (also known as c.2216C>T), located in coding exon 14 of the FLNC gene, results from a C to T substitution at nucleotide position 2216. The threonine at codon 739 is replaced by isoleucine, an amino acid with similar properties. This amino acid position is highly conserved in available vertebrate species. In addition, this alteration is predicted to be deleterious by in silico analysis. Since supporting evidence is limited at this time, the clinical significance of this alteration remains unclear.

NM_001458.5(FLNC):c.2216C>T (p.Thr739Ile)

Gene: FLNC (filamin C; plus strand). Cytogenetic location: 7q32.1.
Variant type: single nucleotide variant.
Coding change: c.2216C>T on transcript NM_001458.5 (MANE Select); coding-DNA position 2216, C replaced by T.
Protein change: p.Thr739Ile; replaces threonine 739 with isoleucine.
Molecular consequence: missense variant.
Genome position (GRCh38, 1-based): chr7:128,842,325, C>T. VCF-style: chr7-128842325-C-T. GRCh37 (hg19) VCF-style: chr7-128482379-C-T.
Other names: c.2216C>T, p.Thr739Ile (NM_001127487.2); short protein forms T739I.
Identifiers: ClinVar variation 959986 (VCV000959986.13), dbSNP rs749380628, ClinGen allele CA369229316.